The following is an entry in ClinVar:

ClinVar aggregate classification (germline): Uncertain significance. Review status: criteria provided, multiple submitters, no conflicts (2 of 4 stars). 3 submissions from 3 submitters: Uncertain significance (2). 1 of the submissions does not count toward it. Last evaluated 2024-05-20.

Conditions:
Autosomal recessive limb-girdle muscular dystrophy type 2D (LGMDR3). Also called: DUCHENNE-LIKE AUTOSOMAL RECESSIVE MUSCULAR DYSTROPHY, TYPE 2; MUSCULAR DYSTROPHY, LIMB-GIRDLE, AUTOSOMAL RECESSIVE 3; ADHALINOPATHY, PRIMARY. Identifiers: Orphanet 62, MedGen C2936332, MONDO:0011968, OMIM 608099. Disease mechanism: Affects gamma-sarcoglycan and also disrupts the integrity of the entire sarcoglycan complex..

Allele frequency attached by ClinVar (database versions not stated): ExAC 0.00001; gnomAD exomes 0.00001; TOPMed 0.00002.

Submissions (3):

Women's Health and Genetics/Laboratory Corporation of America, LabCorp
Classification: Uncertain significance. Last evaluated: 2024-05-20. Review status: criteria provided, single submitter. Criteria: LabCorp Variant Classification Summary - May 2015. Collection method: clinical testing. Allele origin: germline.

Labcorp Genetics (formerly Invitae), Labcorp
Classification: Uncertain significance for Autosomal recessive limb-girdle muscular dystrophy type 2D. Last evaluated: 2022-07-18. Review status: criteria provided, single submitter. Criteria: Invitae Variant Classification Sherloc (09022015). Collection method: clinical testing. Allele origin: germline.
Comment: This sequence change replaces arginine, which is basic and polar, with cysteine, which is neutral and slightly polar, at codon 241 of the SGCA protein (p.Arg241Cys). This variant is present in population databases (rs753972912, gnomAD 0.003%). This variant has not been reported in the literature in individuals affected with SGCA-related conditions. ClinVar contains an entry for this variant (Variation ID: 647918). Advanced modeling of protein sequence and biophysical properties (such as structural, functional, and spatial information, amino acid conservation, physicochemical variation, residue mobility, and thermodynamic stability) performed at Invitae indicates that this missense variant is expected to disrupt SGCA protein function. In summary, the available evidence is currently insufficient to determine the role of this variant in disease. Therefore, it has been classified as a Variant of Uncertain Significance.

Natera, Inc.
Classification: Uncertain significance for Limb-girdle muscular dystrophy type 2D. Last evaluated: 2020-11-24. Review status: no assertion criteria provided. Collection method: clinical testing. Allele origin: germline. Not counted in ClinVar's aggregate classification.

NM_000023.4(SGCA):c.721C>T (p.Arg241Cys)

Gene: SGCA (sarcoglycan alpha; plus strand). Cytogenetic location: 17q21.33.
Variant type: single nucleotide variant.
Coding change: c.721C>T on transcript NM_000023.4 (MANE Select); coding-DNA position 721, C replaced by T.
Protein change: p.Arg241Cys; replaces arginine 241 with cysteine.
Molecular consequence: missense variant. On other transcripts: non-coding transcript variant (1), intron variant (1).
Genome position (GRCh38, 1-based): chr17:50,169,228, C>T. VCF-style: chr17-50169228-C-T. GRCh37 (hg19) VCF-style: chr17-48246589-C-T.
Other names: c.584+656C>T (NM_001135697.3); short protein forms R241C.
Identifiers: ClinVar variation 647918 (VCV000647918.10), dbSNP rs753972912, ClinGen allele CA8643864.